The following is an entry in ClinVar:

NM_004260.4(RECQL4):c.2789A>G (p.His930Arg)

Gene: RECQL4 (RecQ like helicase 4; minus strand). Cytogenetic location: 8q24.3.
Variant type: single nucleotide variant.
Coding change: c.2789A>G on transcript NM_004260.4 (MANE Select); coding-DNA position 2789, A replaced by G.
Protein change: p.His930Arg; replaces histidine 930 with arginine.
Molecular consequence: missense variant.
Genome position (GRCh38, 1-based): chr8:144,512,738, T>C on the plus strand (A>G on the coding strand, the complement: RECQL4 is on the minus strand). VCF-style: chr8-144512738-T-C. GRCh37 (hg19) VCF-style: chr8-145738121-T-C.
Other names: short protein forms H930R.
Identifiers: ClinVar variation 639670 (VCV000639670.1), dbSNP rs1586797279, ClinGen allele CA372674452.

ClinVar aggregate classification (germline): Uncertain significance (1 of 4 stars; one submission).

Conditions:
Baller-Gerold syndrome (BGS). Also called: CRANIOSYNOSTOSIS WITH RADIAL DEFECTS. Identifiers: Orphanet 1225, MedGen C0265308, MONDO:0009039, OMIM 218600.

Submission:

Labcorp Genetics (formerly Invitae), Labcorp
Classification: Uncertain significance for Baller-Gerold syndrome. Last evaluated: 2018-11-21. Review status: criteria provided, single submitter. Criteria: Invitae Variant Classification Sherloc (09022015). Collection method: clinical testing. Allele origin: germline.
Comment: This sequence change replaces histidine with arginine at codon 930 of the RECQL4 protein (p.His930Arg). TheÂ¬â€ histidineÂ¬â€ residue is highly conserved and there is a small physicochemical difference betweenÂ¬â€ histidineÂ¬â€ andÂ¬â€ arginine. This variant is not present in population databases (ExAC no frequency). This variant has not been reported in the literature in individuals with RECQL4-related disease. Algorithms developed to predict the effect of missense changes on protein structure and function are either unavailable or do not agree on the potential impact of this missense change (SIFT: "Deleterious"; PolyPhen-2: "Probably Damaging"; Align-GVGD: "Class C0"). In summary, the available evidence is currently insufficient to determine the role of this variant in disease. Therefore, it has been classified as a Variant of Uncertain Significance.